The following is an entry in ClinVar:

NM_007294.4(BRCA1):c.3275_3276delinsT (p.Glu1092fs)

Genes: BRCA1 (BRCA1 DNA repair associated; minus strand), LOC126862571 (BRD4-independent group 4 enhancer GRCh37_chr17:41243136-41244335; plus strand). Cytogenetic location: 17q21.31.
Variant type: Indel.
Coding change: c.3275_3276delinsT on transcript NM_007294.4 (MANE Select); coding-DNA positions 3275 to 3276, AG replaced by T.
Protein change: p.Glu1092fs; shifts the reading frame from glutamic acid 1092.
Molecular consequence: frameshift variant. On other transcripts: intron variant (137).
Genome position (GRCh38, 1-based): chr17:43,092,255-43,092,256, CT replaced by A on the plus strand (AG replaced by T on the coding strand, the reverse complement: BRCA1 is on the minus strand). VCF-style: chr17-43092255-CT-A. GRCh37 (hg19) VCF-style: chr17-41244272-CT-A.
Other names: c.3197_3198delinsT, p.Glu1066fs (NM_001407658.1, NM_001407663.1, NM_001407653.1 and 4 more transcripts); c.3194_3195delinsT, p.Glu1065fs (NM_001407659.1, NM_001407660.1, NM_001407661.1 and 1 more transcripts); c.3152_3153delinsT, p.Glu1051fs (NM_001407665.1, NM_001407667.1, NM_001407666.1 and 19 more transcripts); c.3065_3066delinsT, p.Glu1022fs (NM_001407907.1, NM_001407908.1, NM_001407909.1 and 13 more transcripts); c.3062_3063delinsT, p.Glu1021fs (NM_001407915.1, NM_001407916.1, NM_001407917.1 and 9 more transcripts); c.3011_3012delinsT, p.Glu1004fs (NM_001407920.1, NM_001407921.1, NM_001407922.1 and 9 more transcripts); c.3008_3009delinsT, p.Glu1003fs (NM_001407930.1, NM_001407931.1, NM_001407932.1 and 2 more transcripts); c.3149_3150delinsT, p.Glu1050fs (NM_001407940.1, NM_001407941.1, NM_001407649.1 and 11 more transcripts); and 41 more; short protein forms E1022fs, E964fs, E1004fs, E1044fs, E1045fs, E1065fs, E1089fs, E981fs.
Identifiers: ClinVar variation 3481845 (VCV003481845.2).

ClinVar aggregate classification (germline): Pathogenic. Review status: criteria provided, multiple submitters, no conflicts (2 of 4 stars). 2 submissions from 2 submitters: Pathogenic (2). Last evaluated 2025-03-08.

Conditions:
Hereditary cancer-predisposing syndrome. Also called: Tumor predisposition; Neoplastic Syndromes, Hereditary; Hereditary Cancer Syndrome; Hereditary neoplastic syndrome. Identifiers: Orphanet 140162, MedGen C0027672, MeSH D009386, MONDO:0015356.

Submissions (2):

Color Diagnostics, LLC DBA Color Health
Classification: Pathogenic for Hereditary cancer-predisposing syndrome. Last evaluated: 2025-03-08. Review status: criteria provided, single submitter. Criteria: ACMG Guidelines, 2015. Collection method: clinical testing. Allele origin: germline.
Comment: This variant deletes 2 nucleotides, GA, and inserts 1 nucleotide, T, in exon 10 of the BRCA1 gene, creating a frameshift and premature translation stop signal. The impacted exon is also known as coding exon 9 and exon 11 by Breast Cancer Information Core (BIC) nomenclature. This variant is expected to result in an absent or non-functional protein product. To our knowledge, this variant has not been reported in individuals affected with BRCA1-related disorders in the literature. This variant has not been identified in the general population by the Genome Aggregation Database (gnomAD). Loss of BRCA1 function is a known mechanism of disease. Based on the available evidence, this variant is classified as Pathogenic.

Ambry Genetics
Classification: Pathogenic for Hereditary cancer-predisposing syndrome. Last evaluated: 2024-08-26. Review status: criteria provided, single submitter. Criteria: Ambry Variant Classification Scheme 2023. Collection method: clinical testing. Allele origin: germline.
Comment: The c.3275_3276delAGinsT pathogenic mutation, located in coding exon 9 of the BRCA1 gene, results from the deletion of two nucleotides and insertion of one nucleotide causing a translational frameshift with a predicted alternate stop codon (p.E1092Vfs*17). This variant is considered to be rare based on population cohorts in the Genome Aggregation Database (gnomAD). This alteration is expected to result in loss of function by premature protein truncation or nonsense-mediated mRNA decay. As such, this alteration is interpreted as a disease-causing mutation.